The following is an entry in ClinVar:

ClinVar aggregate classification (germline): Likely benign. Review status: criteria provided, multiple submitters, no conflicts (2 of 4 stars). 8 submissions from 8 submitters: Likely benign (5). 3 of the submissions do not count toward it. Last evaluated 2026-01-28.

Conditions:
NEFH-related disorder. Also called: NEFH-related condition.
Inborn genetic diseases. Identifiers: MedGen C0950123, MeSH D030342.

Allele frequency attached by ClinVar (database versions not stated): ExAC 0.00015; gnomAD 0.00015 and 0.00016; TOPMed 0.00019; gnomAD exomes 0.00025 and 0.00046; ESP Exome Variant Server 0.00031.
gnomAD v4.1: 669 of 1,614,048 alleles (0.041%); highest among the groups gnomAD compares: Non-Finnish European, 0.055%; no homozygotes.

Submissions (8):

Labcorp Genetics (formerly Invitae), Labcorp
Classification: Likely benign. Last evaluated: 2026-01-28. Review status: criteria provided, single submitter. Criteria: Invitae Variant Classification Sherloc (09022015). Collection method: clinical testing. Allele origin: germline.

Women's Health and Genetics/Laboratory Corporation of America, LabCorp
Classification: Likely benign. Last evaluated: 2025-03-03. Review status: criteria provided, single submitter. Criteria: LabCorp Variant Classification Summary - May 2015. Collection method: clinical testing. Allele origin: germline.
Comment: Variant summary: NEFH c.1575G>C (p.Lys525Asn) results in a non-conservative amino acid change in the encoded protein sequence. Four of five in-silico tools predict a benign effect of the variant on protein function. The variant allele was found at a frequency of 0.00025 in 250878 control chromosomes. The observed variant frequency is approximately 401.79 fold of the estimated maximal expected allele frequency for a pathogenic variant in NEFH causing Charcot-Marie-Tooth disease axonal type 2CC phenotype (6.3e-07). To our knowledge, no occurrence of c.1575G>C in individuals affected with Charcot-Marie-Tooth disease axonal type 2CC and no experimental evidence demonstrating its impact on protein function have been reported. ClinVar contains an entry for this variant (Variation ID: 546913). Based on the evidence outlined above, the variant was classified as likely benign.

Mayo Clinic Laboratories, Mayo Clinic
Classification: Likely benign. Last evaluated: 2025-01-06. Review status: criteria provided, single submitter. Criteria: ACMG Guidelines, 2015. Collection method: clinical testing. Allele origin: germline. Observed: 3 variant alleles.
Comment: BS2, BP4

CeGaT Center for Human Genetics Tuebingen
Classification: Likely benign. Last evaluated: 2023-08-01. Review status: criteria provided, single submitter. Criteria: CeGaT Center For Human Genetics Tuebingen Variant Classification Criteria Version 2. Collection method: clinical testing. Allele origin: germline. Affected: yes. Observed: 4 variant alleles.
Comment: NEFH: BP4

Ambry Genetics
Classification: Likely benign for Inborn genetic diseases. Last evaluated: 2019-11-15. Review status: criteria provided, single submitter. Criteria: Ambry Variant Classification Scheme 2023. Collection method: clinical testing. Allele origin: germline.

PreventionGenetics, part of Exact Sciences
Classification: Likely benign for NEFH-related condition. Last evaluated: 2024-01-07. Review status: no assertion criteria provided. Collection method: clinical testing. Allele origin: germline. Not counted in ClinVar's aggregate classification.
Comment: This variant is classified as likely benign based on ACMG/AMP sequence variant interpretation guidelines (Richards et al. 2015 PMID: 25741868, with internal and published modifications).

Clinical Genetics DNA and cytogenetics Diagnostics Lab, Erasmus MC, Erasmus Medical Center
Classification: Uncertain significance. Review status: no assertion criteria provided. Collection method: clinical testing. Allele origin: germline. Affected: yes. Study: VKGL Data-share Consensus. Not counted in ClinVar's aggregate classification.

Clinical Genetics, Academic Medical Center
Classification: Uncertain significance. Review status: no assertion criteria provided. Collection method: clinical testing. Allele origin: germline. Affected: yes. Study: VKGL Data-share Consensus. Not counted in ClinVar's aggregate classification.

Literature cited by the submitters: PubMed 35047667 (cited by Mayo Clinic Laboratories, Mayo Clinic).

NM_021076.4(NEFH):c.1575G>C (p.Lys525Asn)

Gene: NEFH (neurofilament heavy chain; plus strand). Cytogenetic location: 22q12.2.
Variant type: single nucleotide variant.
Coding change: c.1575G>C on transcript NM_021076.4 (MANE Select); coding-DNA position 1575, G replaced by C.
Protein change: p.Lys525Asn; replaces lysine 525 with asparagine.
Molecular consequence: missense variant.
Genome position (GRCh38, 1-based): chr22:29,489,215, G>C. VCF-style: chr22-29489215-G-C. GRCh37 (hg19) VCF-style: chr22-29885204-G-C.
Other names: p.Lys525Asn; short protein forms K525N.
Identifiers: ClinVar variation 546913 (VCV000546913.54), dbSNP rs149183166, ClinGen allele CA10174234.